The following is an entry in ClinVar:

NM_153610.5(CMYA5):c.7911G>A (p.Pro2637=)

Gene: CMYA5 (cardiomyopathy associated 5; plus strand). Cytogenetic location: 5q14.1.
Variant type: single nucleotide variant.
Coding change: c.7911G>A on transcript NM_153610.5 (MANE Select); coding-DNA position 7911, G replaced by A.
Protein change: p.Pro2637=; no amino-acid change (proline 2637 retained).
Molecular consequence: synonymous variant.
Genome position (GRCh38, 1-based): chr5:79,736,676, G>A. VCF-style: chr5-79736676-G-A. GRCh37 (hg19) VCF-style: chr5-79032499-G-A.
Identifiers: ClinVar variation 5039157 (VCV005039157.1).
Genomic context (GRCh38, chr5:79,736,676, plus strand): 5'-CCAACCACATCCTTTAGAAGAAAGTAAAGTTTTGGTGGAGAAAACCAAGACTTTCCTGCC[G>A]GTGGCTCTTTCTTGTCGTGATGAAATAGAGAACCACTCTTTATCTCAGGAAGGAAATCTA-3'
Protein context (NP_705838.3, residues 2627-2647): VLVEKTKTFL[Pro2637=]VALSCRDEIE

ClinVar aggregate classification (germline): Likely benign (1 of 4 stars; one submission).

Submission:

CeGaT Center for Human Genetics Tuebingen
Classification: Likely benign. Last evaluated: 2026-07-01. Review status: criteria provided, single submitter. Criteria: CeGaT Center For Human Genetics Tuebingen Variant Classification Criteria Version 2. Collection method: clinical testing. Allele origin: germline. Affected: yes. Observed: 1 variant allele.
Comment: CMYA5: BP4, BP7